The following is an entry in ClinVar:

NM_000045.4(ARG1):c.560+5G>A

Genes: MED23 (mediator complex subunit 23; minus strand), ARG1 (arginase 1; plus strand). Cytogenetic location: 6q23.2.
Variant type: single nucleotide variant.
Coding change: c.560+5G>A on transcript NM_000045.4 (MANE Select); 5 bases into the intron after coding-DNA position 560, G replaced by A.
Molecular consequence: intron variant.
Genome position (GRCh38, 1-based): chr6:131,582,720, G>A. VCF-style: chr6-131582720-G-A. GRCh37 (hg19) VCF-style: chr6-131903860-G-A.
Other names: c.584+5G>A (NM_001244438.2); c.306-340G>A (NM_001369020.1); c.4077+4989C>T (NM_001270521.2); c.4095+4989C>T (NM_015979.4).
Identifiers: ClinVar variation 556728 (VCV000556728.5), dbSNP rs763312659, ClinGen allele CA3999297.

ClinVar aggregate classification (germline): Uncertain significance. Review status: criteria provided, single submitter (1 of 4 stars). 2 submissions from 2 submitters: Uncertain significance (1). 1 of the submissions does not count toward it. Last evaluated 2025-03-21.

Conditions:
Arginase deficiency. Also called: ARGININEMIA; ARG1 DEFICIENCY; Arginase 1 Deficiency. Identifiers: Orphanet 90, MedGen C0268548, MONDO:0008814, OMIM 207800.

Allele frequency attached by ClinVar (database versions not stated): gnomAD exomes 0.00001; gnomAD 0.00001; TOPMed below 0.00001; ExAC 0.00001.
gnomAD v4.1: 4 of 1,612,810 alleles (0.00025%); highest among the groups gnomAD compares: Admixed American, 0.0017%; no homozygotes.

Submissions (2):

Women's Health and Genetics/Laboratory Corporation of America, LabCorp
Classification: Uncertain significance. Last evaluated: 2025-03-21. Review status: criteria provided, single submitter. Criteria: LabCorp Variant Classification Summary - May 2015. Collection method: clinical testing. Allele origin: germline.
Comment: Variant summary: ARG1 c.560+5G>A alters a conserved nucleotide located close to a canonical splice site and therefore could affect mRNA splicing, leading to a significantly altered protein sequence. Several computational tools predict a significant impact on normal splicing: Three predict the variant abolishes a 5' splicing donor site. However, these predictions have yet to be confirmed by functional studies. The variant allele was found at a frequency of 8e-06 in 251372 control chromosomes. The available data on variant occurrences in the general population are insufficient to allow any conclusion about variant significance. c.560+5G>A has been reported in the literature in at least one compound heterozygous individual affected with Arginase Deficiency (e.g., Jain-Ghai_2011). These data do not allow any conclusion about variant significance. To our knowledge, no experimental evidence demonstrating an impact on protein function has been reported. The following publication has been ascertained in the context of this evaluation (PMID: 21802329). ClinVar contains an entry for this variant (Variation ID: 556728). Based on the evidence outlined above, the variant was classified as uncertain significance.

Counsyl
Classification: Uncertain significance for Arginase deficiency. Last evaluated: 2018-02-14. Review status: no assertion criteria provided. Collection method: clinical testing. Allele origin: unknown. Not counted in ClinVar's aggregate classification.

Literature cited by the submitters: PubMed 21802329 (cited by Women's Health and Genetics/Laboratory Corporation of America, LabCorp and Counsyl).